The following is an entry in ClinVar:

ClinVar aggregate classification (germline): Likely pathogenic. Review status: criteria provided, multiple submitters, no conflicts (2 of 4 stars). 2 submissions from 2 submitters: Likely pathogenic (2). Last evaluated 2023-05-18.

Conditions:
NIPBL-related disorder. Also called: NIPBL-related condition.

Submissions (2):

PreventionGenetics, part of Exact Sciences
Classification: Likely pathogenic for NIPBL-related condition. Last evaluated: 2023-05-18. Review status: criteria provided, single submitter. Criteria: ACMG Guidelines, 2015. Collection method: clinical testing. Allele origin: germline.
Comment: The NIPBL c.1808dupA variant is predicted to result in a frameshift and premature protein termination (p.Ser604Valfs*2). To our knowledge, this variant has not been reported in the literature or in a large population database, indicating this variant is rare. Frameshift variants in NIPBL are expected to be pathogenic. This variant is interpreted as likely pathogenic.

Blueprint Genetics
Classification: Likely pathogenic for NIPBL-related disorders. Last evaluated: 2019-06-22. Review status: criteria provided, single submitter. Criteria: ACMG Guidelines, 2015. Collection method: clinical testing. Allele origin: germline. Affected: yes. Observed: 1 variant allele.

NM_133433.4(NIPBL):c.1808dup (p.Ser604fs)

Gene: NIPBL (NIPBL cohesin loading factor; plus strand). Cytogenetic location: 5p13.2.
Variant type: Duplication.
Coding change: c.1808dup on transcript NM_133433.4 (MANE Select); coding-DNA position 1808, one base duplicated (A; older notation c.1808dupA).
Protein change: p.Ser604fs; shifts the reading frame from serine 604.
Molecular consequence: frameshift variant.
Genome position (GRCh38, 1-based): chr5:36,984,988, A duplicated; the last of 8 consecutive A bases (chr5:36,984,981-36,984,988); duplicating any one gives the same sequence. VCF-style (leftmost placement, unchanged base first): chr5-36984980-T-TA. GRCh37 (hg19) VCF-style: chr5-36985082-T-TA.
Other names: c.1808dupA (NM_133433.3); c.1808dup, p.Ser604fs (NM_015384.5); short protein forms S604fs.
Identifiers: ClinVar variation 1224320 (VCV001224320.3), dbSNP rs727503767, ClinGen allele CA1075103522.
Genomic context (GRCh38, chr5:36,984,980, plus strand): 5'-TCTTCAGGAAGATATTGTTGGAAGTCTTAAATCTACACCAGAAAACCATCCTGAGACACC[T>TA]AAAAAAAAGTCTGATCCTGAGCTTTCAAAGAGTGAAATGAAACAAAGTGAAAGTAGATTA-3'